The following is an entry in ClinVar:

ClinVar aggregate classification (germline): Uncertain significance (1 of 4 stars; one submission).

gnomAD v4.1: 45 of 1,613,996 alleles (0.0028%); highest among the groups gnomAD compares: Admixed American, 0.015%; no homozygotes.

Submission:

Labcorp Genetics (formerly Invitae), Labcorp
Classification: Uncertain significance. Last evaluated: 2025-08-23. Review status: criteria provided, single submitter. Criteria: Invitae Variant Classification Sherloc (09022015). Collection method: clinical testing. Allele origin: germline.
Comment: This sequence change replaces aspartic acid, which is acidic and polar, with asparagine, which is neutral and polar, at codon 1074 of the SLIT2 protein (p.Asp1074Asn). This variant is present in population databases (rs143782841, gnomAD 0.006%). This variant has not been reported in the literature in individuals affected with SLIT2-related conditions. ClinVar contains an entry for this variant (Variation ID: 1946156). An algorithm developed to predict the effect of missense changes on protein structure and function (PolyPhen-2) suggests that this variant is likely to be tolerated. In summary, the available evidence is currently insufficient to determine the role of this variant in disease. Therefore, it has been classified as a Variant of Uncertain Significance.

NM_004787.4(SLIT2):c.3220G>A (p.Asp1074Asn)

Gene: SLIT2 (slit guidance ligand 2; plus strand). Cytogenetic location: 4p15.31.
Variant type: single nucleotide variant.
Coding change: c.3220G>A on transcript NM_004787.4 (MANE Select); coding-DNA position 3220, G replaced by A.
Protein change: p.Asp1074Asn; replaces aspartic acid 1074 with asparagine.
Molecular consequence: missense variant.
Genome position (GRCh38, 1-based): chr4:20,595,734, G>A. VCF-style: chr4-20595734-G-A. GRCh37 (hg19) VCF-style: chr4-20597357-G-A.
Other names: c.3208G>A, p.Asp1070Asn (NM_001289135.3); c.3196G>A, p.Asp1066Asn (NM_001289136.3); short protein forms D1066N, D1070N, D1074N.
Identifiers: ClinVar variation 1946156 (VCV001946156.5), dbSNP rs143782841, ClinGen allele CA2872115.
Genomic context (GRCh38, chr4:20,595,734, plus strand): 5'-CCATTACCTGCTTGTTCCAACAGATGTGACTGCACACCAGGGTACGTAGGTGAACACTGC[G>A]ACATCGATTTTGACGACTGCCAAGACAACAAGTGTAAAAACGGAGCCCACTGCACAGATG-3'
Protein context (NP_004778.1, residues 1064-1084): CTPGYVGEHC[Asp1074Asn]IDFDDCQDNK